The following is an entry in ClinVar:

ClinVar aggregate classification (germline): Uncertain significance (1 of 4 stars; one submission).

Submission:

Labcorp Genetics (formerly Invitae), Labcorp
Classification: Uncertain significance. Last evaluated: 2024-10-25. Review status: criteria provided, single submitter. Criteria: Invitae Variant Classification Sherloc (09022015). Collection method: clinical testing. Allele origin: germline.
Comment: This sequence change replaces histidine, which is basic and polar, with glutamine, which is neutral and polar, at codon 980 of the OTOG protein (p.His980Gln). This variant is not present in population databases (gnomAD no frequency). This variant has not been reported in the literature in individuals affected with OTOG-related conditions. ClinVar contains an entry for this variant (Variation ID: 2038248). An algorithm developed to predict the effect of missense changes on protein structure and function (PolyPhen-2) suggests that this variant is likely to be tolerated. In summary, the available evidence is currently insufficient to determine the role of this variant in disease. Therefore, it has been classified as a Variant of Uncertain Significance.

NM_001292063.2(OTOG):c.2904C>A (p.His968Gln)

Gene: OTOG (otogelin; plus strand). Cytogenetic location: 11p15.1.
Variant type: single nucleotide variant.
Coding change: c.2904C>A on transcript NM_001292063.2 (MANE Select); coding-DNA position 2904, C replaced by A.
Protein change: p.His968Gln; replaces histidine 968 with glutamine.
Molecular consequence: missense variant.
Genome position (GRCh38, 1-based): chr11:17,591,486, C>A. VCF-style: chr11-17591486-C-A. GRCh37 (hg19) VCF-style: chr11-17613033-C-A.
Other names: c.2940C>A, p.His980Gln (NM_001277269.2); short protein forms H968Q, H980Q.
Identifiers: ClinVar variation 2038248 (VCV002038248.4), dbSNP rs2497471634, ClinGen allele CA379780147.